The following is an entry in ClinVar:

ClinVar aggregate classification (germline): Conflicting classifications of pathogenicity. Review status: criteria provided, conflicting classifications (1 of 4 stars). 4 submissions from 4 submitters: Uncertain significance (3); Benign (1). Last evaluated 2026-08-06.

Conditions:
Chuvash polycythemia. Also called: POLYCYTHEMIA, VHL-DEPENDENT. Identifiers: Orphanet 238557, MedGen C1837915, MONDO:0009892, OMIM 263400.
Von Hippel-Lindau syndrome (VHLS). Also called: von Hippel–Lindau syndrome; VHL syndrome; Von Hippel-Lindau. Identifiers: Orphanet 892, MedGen C0019562, MONDO:0008667, OMIM 193300. Disease mechanism: loss of function.
Hereditary cancer-predisposing syndrome. Also called: Neoplastic Syndromes, Hereditary; Hereditary Cancer Syndrome; Hereditary neoplastic syndrome; Tumor predisposition. Identifiers: Orphanet 140162, MedGen C0027672, MeSH D009386, MONDO:0015356.

Allele frequency attached by ClinVar (database versions not stated): gnomAD exomes below 0.00001 and 0.00001; TOPMed below 0.00001; gnomAD 0.00001.
gnomAD v4.1: 9 of 1,598,846 alleles (0.00056%); highest among the groups gnomAD compares: African/African-American, 0.0027%; no homozygotes.

Submissions (4):

Ambry Genetics
Classification: Benign for Hereditary cancer-predisposing syndrome. Last evaluated: 2026-08-06. Review status: criteria provided, single submitter. Criteria: Ambry Variant Classification Scheme 2023. Collection method: clinical testing. Allele origin: germline.

Labcorp Genetics (formerly Invitae), Labcorp
Classification: Uncertain significance for Von Hippel-Lindau syndrome; Chuvash polycythemia. Last evaluated: 2026-01-02. Review status: criteria provided, single submitter. Criteria: Invitae Variant Classification Sherloc (09022015). Collection method: clinical testing. Allele origin: germline.
Comment: This sequence change replaces proline, which is neutral and non-polar, with leucine, which is neutral and non-polar, at codon 102 of the VHL protein (p.Pro102Leu). This variant is not present in population databases (gnomAD no frequency). This variant has not been reported in the literature in individuals affected with VHL-related conditions. ClinVar contains an entry for this variant (Variation ID: 645405). An algorithm developed to predict the effect of missense changes on protein structure and function outputs the following: PolyPhen-2: "Benign". The leucine amino acid residue is found in multiple mammalian species, which suggests that this missense change does not adversely affect protein function. In summary, the available evidence is currently insufficient to determine the role of this variant in disease. Therefore, it has been classified as a Variant of Uncertain Significance.

All of Us Research Program, National Institutes of Health
Classification: Uncertain significance for Von Hippel-Lindau syndrome. Last evaluated: 2024-01-11. Review status: criteria provided, single submitter. Criteria: ACMG Guidelines, 2015. Collection method: clinical testing. Allele origin: germline. Inheritance: Autosomal dominant inheritance. Observed: 1 variant allele, 1 heterozygote.
Comment: This study involves interpretation of variants in research participants for the purpose of population health screening. Participant phenotype was not available at the time of variant classification. Additional details can be found in publication PMID: 35346344, PMCID: PMC8962531

GeneDx
Classification: Uncertain significance. Last evaluated: 2023-02-16. Review status: criteria provided, single submitter. Criteria: GeneDx Variant Classification Process June 2021. Collection method: clinical testing. Allele origin: germline. Affected: yes.
Comment: Not observed at significant frequency in large population cohorts (gnomAD); In silico analysis supports that this missense variant does not alter protein structure/function; Has not been previously published as pathogenic or benign to our knowledge; This variant is associated with the following publications: (PMID: Verma2016[article])

Literature cited by the submitters: PubMed 38969834 (cited by Ambry Genetics).

NM_000551.4(VHL):c.305C>T (p.Pro102Leu)

Gene: VHL (von Hippel-Lindau tumor suppressor; plus strand). Cytogenetic location: 3p25.3.
Variant type: single nucleotide variant.
Coding change: c.305C>T on transcript NM_000551.4 (MANE Select); coding-DNA position 305, C replaced by T.
Protein change: p.Pro102Leu; replaces proline 102 with leucine.
Molecular consequence: missense variant.
Genome position (GRCh38, 1-based): chr3:10,142,152, C>T. VCF-style: chr3-10142152-C-T. GRCh37 (hg19) VCF-style: chr3-10183836-C-T.
Other names: c.305C>T, p.Pro102Leu (NM_001354723.2, NM_198156.3); short protein forms P102L.
Identifiers: ClinVar variation 645405 (VCV000645405.15), dbSNP rs1379270197, ClinGen allele CA351751047.